The following is an entry in ClinVar:

NM_000466.3(PEX1):c.452C>T (p.Thr151Met)

Gene: PEX1 (peroxisomal biogenesis factor 1; minus strand). Cytogenetic location: 7q21.2.
Variant type: single nucleotide variant.
Coding change: c.452C>T on transcript NM_000466.3 (MANE Select); coding-DNA position 452, C replaced by T.
Protein change: p.Thr151Met; replaces threonine 151 with methionine.
Molecular consequence: missense variant. On other transcripts: 5 prime UTR variant (1).
Genome position (GRCh38, 1-based): chr7:92,518,161, G>A on the plus strand (C>T on the coding strand, the complement: PEX1 is on the minus strand). VCF-style: chr7-92518161-G-A. GRCh37 (hg19) VCF-style: chr7-92147475-G-A.
Other names: c.452C>T, p.Thr151Met (NM_001282677.2); c.-173C>T (NM_001282678.2); short protein forms T151M.
Identifiers: ClinVar variation 2157876 (VCV002157876.3), dbSNP rs202057710, ClinGen allele CA4341607.

ClinVar aggregate classification (germline): Uncertain significance (1 of 4 stars; one submission).

Conditions:
Zellweger spectrum disorders (ZS). Also called: Zellweger Spectrum Disorder (ZSD); Zellweger Spectrum Disorder; Zellweger Spectrum; Zellweger syndrome. Identifiers: Orphanet 912, MedGen C0043459, MONDO:0019609.

Allele frequency attached by ClinVar (database versions not stated): TOPMed 0.00002.
gnomAD v4.1: 21 of 1,610,932 alleles (0.0013%); highest among the groups gnomAD compares: South Asian, 0.0022%; no homozygotes.

Submission:

Labcorp Genetics (formerly Invitae), Labcorp
Classification: Uncertain significance for Zellweger spectrum disorders. Last evaluated: 2024-02-24. Review status: criteria provided, single submitter. Criteria: Invitae Variant Classification Sherloc (09022015). Collection method: clinical testing. Allele origin: germline.
Comment: This sequence change replaces threonine, which is neutral and polar, with methionine, which is neutral and non-polar, at codon 151 of the PEX1 protein (p.Thr151Met). This variant is present in population databases (rs202057710, gnomAD 0.0009%). This variant has not been reported in the literature in individuals affected with PEX1-related conditions. ClinVar contains an entry for this variant (Variation ID: 2157876). Advanced modeling of protein sequence and biophysical properties (such as structural, functional, and spatial information, amino acid conservation, physicochemical variation, residue mobility, and thermodynamic stability) performed at Invitae indicates that this missense variant is not expected to disrupt PEX1 protein function with a negative predictive value of 80%. In summary, the available evidence is currently insufficient to determine the role of this variant in disease. Therefore, it has been classified as a Variant of Uncertain Significance.